The following is an entry in ClinVar:

NM_001367561.1(DOCK7):c.4343T>C (p.Met1448Thr)

Gene: DOCK7 (dedicator of cytokinesis 7; minus strand). Cytogenetic location: 1p31.3.
Variant type: single nucleotide variant.
Coding change: c.4343T>C on transcript NM_001367561.1 (MANE Select); coding-DNA position 4343, T replaced by C.
Protein change: p.Met1448Thr; replaces methionine 1448 with threonine.
Molecular consequence: missense variant.
Genome position (GRCh38, 1-based): chr1:62,510,613, A>G on the plus strand (T>C on the coding strand, the complement: DOCK7 is on the minus strand). VCF-style: chr1-62510613-A-G. GRCh37 (hg19) VCF-style: chr1-62976284-A-G.
Other names: c.4316T>C, p.Met1439Thr (NM_001271999.2, NM_001330614.2); c.4223T>C, p.Met1408Thr (NM_001272000.2, NM_001272001.2); c.4250T>C, p.Met1417Thr (NM_033407.4); short protein forms M1439T, M1448T, M1408T, M1417T.
Identifiers: ClinVar variation 1920722 (VCV001920722.5), dbSNP rs1335010590, ClinGen allele CA340622766.

ClinVar aggregate classification (germline): Uncertain significance (1 of 4 stars; one submission).

Conditions:
Developmental and epileptic encephalopathy, 23 (DEE23). Also called: Epileptic encephalopathy, early infantile, 23. Identifiers: Orphanet 411986, MedGen C4014492, MONDO:0014371, OMIM 615859.

Submission:

Labcorp Genetics (formerly Invitae), Labcorp
Classification: Uncertain significance for Developmental and epileptic encephalopathy, 23. Last evaluated: 2024-10-30. Review status: criteria provided, single submitter. Criteria: Invitae Variant Classification Sherloc (09022015). Collection method: clinical testing. Allele origin: germline.
Comment: This sequence change replaces methionine, which is neutral and non-polar, with threonine, which is neutral and polar, at codon 1439 of the DOCK7 protein (p.Met1439Thr). This variant is not present in population databases (gnomAD no frequency). This variant has not been reported in the literature in individuals affected with DOCK7-related conditions. ClinVar contains an entry for this variant (Variation ID: 1920722). Invitae Evidence Modeling of protein sequence and biophysical properties (such as structural, functional, and spatial information, amino acid conservation, physicochemical variation, residue mobility, and thermodynamic stability) indicates that this missense variant is not expected to disrupt DOCK7 protein function with a negative predictive value of 80%. In summary, the available evidence is currently insufficient to determine the role of this variant in disease. Therefore, it has been classified as a Variant of Uncertain Significance.